The following is an entry in ClinVar:

NM_017780.4(CHD7):c.8076+222A>G

Gene: CHD7 (chromodomain helicase DNA binding protein 7; plus strand). Cytogenetic location: 8q12.2.
Variant type: single nucleotide variant.
Coding change: c.8076+222A>G on transcript NM_017780.4 (MANE Select); 222 bases into the intron after coding-DNA position 8076, A replaced by G.
Molecular consequence: intron variant.
Genome position (GRCh38, 1-based): chr8:60,862,874, A>G. VCF-style: chr8-60862874-A-G. GRCh37 (hg19) VCF-style: chr8-61775433-A-G.
Other names: c.1929+222A>G (NM_001316690.1).
Identifiers: ClinVar variation 4856929 (VCV004856929.2).

ClinVar aggregate classification (germline): Likely benign (1 of 4 stars; one submission).

gnomAD v4.1: 2 of 534,606 alleles (0.00037%); highest among the groups gnomAD compares: South Asian, 0.0048%; no homozygotes.

Submission:

Dasa
Classification: Likely benign. Last evaluated: 2026-01-02. Review status: criteria provided, single submitter. Criteria: DASA Assertion Criteria. Collection method: clinical testing. Allele origin: germline.
Comment: NM_017780.4(CHD7):c.8076+222A>G is an intronic variant. The variant context is inconsistent with a known disease-causing mechanism. Computational prediction algorithms are consistent with a benign effect. Therefore, based on the currently available evidence, this variant is classified as likely benign.